The following is an entry in ClinVar:

ClinVar aggregate classification (germline): Uncertain significance (1 of 4 stars; one submission).

Conditions:
Werner syndrome (WRN). Identifiers: Orphanet 902, MedGen C0043119, MONDO:0010196, OMIM 277700.

Allele frequency attached by ClinVar (database versions not stated): gnomAD exomes below 0.00001; ExAC 0.00001; gnomAD 0.00001; TOPMed 0.00003; ESP Exome Variant Server 0.00008.
gnomAD v4.1: 11 of 1,613,878 alleles (0.00068%); highest among the groups gnomAD compares: Non-Finnish European, 0.00076%; no homozygotes.

Submission:

Labcorp Genetics (formerly Invitae), Labcorp
Classification: Uncertain significance for Werner syndrome. Last evaluated: 2025-12-10. Review status: criteria provided, single submitter. Criteria: Invitae Variant Classification Sherloc (09022015). Collection method: clinical testing. Allele origin: germline.
Comment: This sequence change replaces isoleucine, which is neutral and non-polar, with valine, which is neutral and non-polar, at codon 195 of the WRN protein (p.Ile195Val). This variant is present in population databases (rs371736282, gnomAD 0.002%). This variant has not been reported in the literature in individuals affected with WRN-related conditions. ClinVar contains an entry for this variant (Variation ID: 663250). An algorithm developed to predict the effect of missense changes on protein structure and function outputs the following: PolyPhen-2: "Benign". The valine amino acid residue is found in multiple mammalian species, which suggests that this missense change does not adversely affect protein function. In summary, the available evidence is currently insufficient to determine the role of this variant in disease. Therefore, it has been classified as a Variant of Uncertain Significance.

NM_000553.6(WRN):c.583A>G (p.Ile195Val)

Gene: WRN (WRN RecQ like helicase; plus strand). Cytogenetic location: 8p12.
Variant type: single nucleotide variant.
Coding change: c.583A>G on transcript NM_000553.6 (MANE Select); coding-DNA position 583, A replaced by G.
Protein change: p.Ile195Val; replaces isoleucine 195 with valine.
Molecular consequence: missense variant.
Genome position (GRCh38, 1-based): chr8:31,067,111, A>G. VCF-style: chr8-31067111-A-G. GRCh37 (hg19) VCF-style: chr8-30924627-A-G.
Other names: short protein forms I195V.
Identifiers: ClinVar variation 663250 (VCV000663250.5), dbSNP rs371736282, ClinGen allele CA4704106.